The following is an entry in ClinVar:

NM_001165963.4(SCN1A):c.4126T>A (p.Cys1376Ser)

Genes: SCN1A (sodium voltage-gated channel alpha subunit 1; minus strand), LOC102724058 (uncharacterized LOC102724058; plus strand). Cytogenetic location: 2q24.3.
Variant type: single nucleotide variant.
Coding change: c.4126T>A on transcript NM_001165963.4 (MANE Select); coding-DNA position 4126, T replaced by A.
Protein change: p.Cys1376Ser; replaces cysteine 1376 with serine.
Molecular consequence: missense variant. On other transcripts: non-coding transcript variant (1).
Genome position (GRCh38, 1-based): chr2:166,002,630, A>T on the plus strand (T>A on the coding strand, the complement: SCN1A is on the minus strand). VCF-style: chr2-166002630-A-T. GRCh37 (hg19) VCF-style: chr2-166859140-A-T.
Other names: c.4042T>A, p.Cys1348Ser (NM_001353957.2, NM_001353958.2, NM_001165964.3); c.4039T>A, p.Cys1347Ser (NM_001353960.2); c.1684T>A, p.Cys562Ser (NM_001353961.2); c.4093T>A, p.Cys1365Ser (NM_006920.6, NM_001353949.2, NM_001353950.2 and 2 more transcripts); c.4126T>A, p.Cys1376Ser (NM_001202435.3, NM_001353948.2); c.4090T>A, p.Cys1364Ser (NM_001353954.2, NM_001353955.2); short protein forms C1347S, C1348S, C1364S, C1365S, C1376S, C562S.
Identifiers: ClinVar variation 1694978 (VCV001694978.31), dbSNP rs2105509369, ClinGen allele CA349050363.

ClinVar aggregate classification (germline): Likely pathogenic (1 of 4 stars; one submission).

Submission:

CeGaT Center for Human Genetics Tuebingen
Classification: Likely pathogenic. Last evaluated: 2022-07-01. Review status: criteria provided, single submitter. Criteria: CeGaT Center For Human Genetics Tuebingen Variant Classification Criteria Version 2. Collection method: clinical testing. Allele origin: germline. Affected: yes. Observed: 1 variant allele.
Comment: SCN1A: PM1, PM2, PM6, PM5:Supporting, PP2